The following is an entry in ClinVar:

ClinVar aggregate classification (germline): Uncertain significance. Review status: criteria provided, multiple submitters, no conflicts (2 of 4 stars). 2 submissions from 2 submitters: Uncertain significance (2). Last evaluated 2025-03-25.

Conditions:
Inborn genetic diseases. Identifiers: MedGen C0950123, MeSH D030342.

Allele frequency attached by ClinVar (database versions not stated): ExAC 0.00001.
gnomAD v4.1: 6 of 1,613,642 alleles (0.00037%); highest among the groups gnomAD compares: East Asian, 0.013%; no homozygotes.

Submissions (2):

Ambry Genetics
Classification: Uncertain significance for Inborn genetic diseases. Last evaluated: 2025-03-25. Review status: criteria provided, single submitter. Criteria: Ambry Variant Classification Scheme 2023. Collection method: clinical testing. Allele origin: germline.
Comment: The p.E1578Q variant (also known as c.4732G>C), located in coding exon 32 of the ANKRD26 gene, results from a G to C substitution at nucleotide position 4732. The glutamic acid at codon 1578 is replaced by glutamine, an amino acid with highly similar properties. This amino acid position is conserved. In addition, this alteration is predicted to be tolerated by in silico analysis. Based on the available evidence, the clinical significance of this variant remains unclear.

Labcorp Genetics (formerly Invitae), Labcorp
Classification: Uncertain significance. Last evaluated: 2024-07-10. Review status: criteria provided, single submitter. Criteria: Invitae Variant Classification Sherloc (09022015). Collection method: clinical testing. Allele origin: germline.
Comment: This sequence change replaces glutamic acid, which is acidic and polar, with glutamine, which is neutral and polar, at codon 1578 of the ANKRD26 protein (p.Glu1578Gln). This variant is present in population databases (rs769313376, gnomAD 0.01%). This variant has not been reported in the literature in individuals affected with ANKRD26-related conditions. An algorithm developed to predict the effect of missense changes on protein structure and function (PolyPhen-2) suggests that this variant is likely to be disruptive. In summary, the available evidence is currently insufficient to determine the role of this variant in disease. Therefore, it has been classified as a Variant of Uncertain Significance.

NM_014915.3(ANKRD26):c.4732G>C (p.Glu1578Gln)

Gene: ANKRD26 (ankyrin repeat domain 26; minus strand). Cytogenetic location: 10p12.1.
Variant type: single nucleotide variant.
Coding change: c.4732G>C on transcript NM_014915.3 (MANE Select); coding-DNA position 4732, G replaced by C.
Protein change: p.Glu1578Gln; replaces glutamic acid 1578 with glutamine.
Molecular consequence: missense variant.
Genome position (GRCh38, 1-based): chr10:27,013,103, C>G on the plus strand (G>C on the coding strand, the complement: ANKRD26 is on the minus strand). VCF-style: chr10-27013103-C-G. GRCh37 (hg19) VCF-style: chr10-27302032-C-G.
Other names: c.4729G>C, p.Glu1577Gln (NM_001256053.2); short protein forms E1578Q, E1577Q.
Identifiers: ClinVar variation 2900283 (VCV002900283.4), dbSNP rs769313376, ClinGen allele CA5447725.